The following is an entry in ClinVar:

ClinVar aggregate classification (germline): Benign/Likely benign. Review status: criteria provided, multiple submitters, no conflicts (2 of 4 stars). 4 submissions from 4 submitters: Benign (1); Likely benign (3). Last evaluated 2026-04-27.

Conditions:
Hereditary cancer-predisposing syndrome. Also called: Tumor predisposition; Hereditary Cancer Syndrome; Neoplastic Syndromes, Hereditary; Hereditary neoplastic syndrome. Identifiers: Orphanet 140162, MedGen C0027672, MeSH D009386, MONDO:0015356.
Tuberous sclerosis 2 (TSC2). Identifiers: Orphanet 805, MedGen C1860707, MONDO:0013199, OMIM 613254.
TSC2-related disorder. Also called: TSC2-Related Disorders; TSC2-related condition.

Allele frequency attached by ClinVar (database versions not stated): gnomAD 0.00002; 1000 Genomes Project 30x 0.00016; 1000 Genomes Project 0.00020.
gnomAD v4.1: 21 of 1,611,796 alleles (0.0013%); highest among the groups gnomAD compares: South Asian, 0.019%; no homozygotes.

Submissions (4):

PreventionGenetics, part of Exact Sciences
Classification: Likely benign for TSC2-related condition. Last evaluated: 2026-04-27. Review status: criteria provided, single submitter. Criteria: ACMG Guidelines, 2015. Collection method: clinical testing. Allele origin: germline.
Comment: This variant is classified as likely benign based on ACMG/AMP sequence variant interpretation guidelines (Richards et al. 2015 PMID: 25741868, with internal and published modifications).

Labcorp Genetics (formerly Invitae), Labcorp
Classification: Likely benign for Tuberous sclerosis 2. Last evaluated: 2025-08-18. Review status: criteria provided, single submitter. Criteria: Invitae Variant Classification Sherloc (09022015). Collection method: clinical testing. Allele origin: germline.

Myriad Genetics, Inc.
Classification: Benign for Tuberous sclerosis 2. Last evaluated: 2025-06-05. Review status: criteria provided, single submitter. Criteria: Myriad Autosomal Dominant, Autosomal Recessive and X-Linked Classification Criteria (2023). Collection method: clinical testing. Allele origin: unknown.
Comment: This variant is considered benign. This variant is intronic and is not expected to impact mRNA splicing. This variant has been observed at a population frequency that is significantly greater than expected given the associated disease prevalence and penetrance.

Sema4
Classification: Likely benign for Hereditary cancer-predisposing syndrome. Last evaluated: 2021-10-18. Review status: criteria provided, single submitter. Criteria: Sema4 Curation Guidelines. Collection method: curation. Allele origin: germline.

NM_000548.5(TSC2):c.5069-13C>T

Gene: TSC2 (TSC complex subunit 2; plus strand). Cytogenetic location: 16p13.3.
Variant type: single nucleotide variant.
Coding change: c.5069-13C>T on transcript NM_000548.5 (MANE Select); 13 bases into the intron before coding-DNA position 5069, C replaced by T.
Molecular consequence: intron variant.
Genome position (GRCh38, 1-based): chr16:2,088,035, C>T. VCF-style: chr16-2088035-C-T. GRCh37 (hg19) VCF-style: chr16-2138036-C-T.
Other names: c.5000-13C>T (NM_001114382.3); c.4940-13C>T (NM_021055.3, NM_001370405.1); c.4871-13C>T (NM_001363528.2); c.4937-13C>T (NM_001370404.1); c.4868-13C>T (NM_001077183.3); c.4760-13C>T (NM_001318827.2); c.4337-13C>T (NM_001318831.2); c.4724-13C>T (NM_001318829.2); and 2 more.
Identifiers: ClinVar variation 1641966 (VCV001641966.11), dbSNP rs542607400, ClinGen allele CA053769.
Genomic context (GRCh38, chr16:2,088,035, plus strand): 5'-GGTAGGGCCGGGTGGGGCCCTGCAGTGTGGCGCCAAGAGCCCTGGGCCTGGCGTGACCAC[C>T]AAGTCTCCCCAGACATGGAGGGCCTTGTGGACACCAGCGTGGCCAAGATCGTGTCTGACC-3'